The following is an entry in ClinVar:

NM_000277.3(PAH):c.852C>A (p.Cys284Ter)

Genes: PAH (phenylalanine hydroxylase; minus strand), LOC126861615 (CDK7 strongly-dependent group 2 enhancer GRCh37_chr12:103244689-103245888; plus strand). Cytogenetic location: 12q23.2.
Variant type: single nucleotide variant.
Coding change: c.852C>A on transcript NM_000277.3 (MANE Select); coding-DNA position 852, C replaced by A.
Protein change: p.Cys284Ter; replaces cysteine 284 with a stop codon.
Molecular consequence: nonsense.
Genome position (GRCh38, 1-based): chr12:102,851,747, G>T on the plus strand (C>A on the coding strand, the complement: PAH is on the minus strand). VCF-style: chr12-102851747-G-T. GRCh37 (hg19) VCF-style: chr12-103245525-G-T.
Other names: c.852C>A, p.Cys284Ter (NM_001354304.2); short protein forms C284*.
Identifiers: ClinVar variation 5014657 (VCV005014657.1).
Genomic context (GRCh38, chr12:102,851,747, plus strand): 5'-CTGGGAAAACTGGGCAAAGCTGCGATCTGAAAACAAGGGCACATGTCCCAACAGCTCATG[G>T]CAGATGTCACTGAAAGACAGAAAGCACAGAGAGCTCGGAGGGGAGGAGGTTTAAGCCAAG-3'

ClinVar aggregate classification (germline): Pathogenic (1 of 4 stars; one submission).

Conditions:
Phenylketonuria (PKU). Also called: FOLLING DISEASE; OLIGOPHRENIA PHENYLPYRUVICA; Phenylketonurias; Phenylketonuria (PKU). Identifiers: Orphanet 716, MedGen C0031485, MONDO:0009861, OMIM 261600. Disease mechanism: loss of function.

gnomAD v4.1: 1 of 1,613,948 alleles (0.000062%); highest among the groups gnomAD compares: Non-Finnish European, 0.000085%; no homozygotes.

Submission:

Myriad Genetics, Inc.
Classification: Pathogenic for Phenylketonuria. Last evaluated: 2024-08-03. Review status: criteria provided, single submitter. Criteria: Myriad Autosomal Dominant, Autosomal Recessive and X-Linked Classification Criteria (2023). Collection method: clinical testing. Allele origin: unknown.
Comment: NM_000277.1(PAH):c.852C>A(C284*) is expected to be pathogenic in the context of phenylalanine hydroxylase deficiency. This variant is predicted to lead to an abnormal or absent protein product due to the creation of a premature termination codon in PAH, a gene where loss-of-function variants are known to be pathogenic. Please note: this variant was assessed in the context of healthy population screening.